The following is an entry in ClinVar:

ClinVar aggregate classification (germline): Benign/Likely benign. Review status: criteria provided, multiple submitters, no conflicts (2 of 4 stars). 5 submissions from 5 submitters: Benign (3); Likely benign (2). Last evaluated 2026-01-26.

Conditions:
Leukodystrophy, hypomyelinating, 8, with or without oligodontia and/or hypogonadotropic hypogonadism. Also called: LEUKODYSTROPHY, HYPOMYELINATING, 8, WITH HYPODONTIA AND HYPOGONADOTROPIC HYPOGONADISM; Hypomyelinating leukodystrophy 8 with or without oligodontia and-or hypogonadotropic hypogonadism; Endosteal sclerosis-cerebellar hypoplasia syndrome. Identifiers: Orphanet 85186, Orphanet 88637, MedGen C3280644, MONDO:0013722, OMIM 614381.

Allele frequency attached by ClinVar (database versions not stated): gnomAD 0.00569 and 0.00623; gnomAD exomes 0.00832 and 0.00693; 1000 Genomes Project 30x 0.00484; 1000 Genomes Project 0.00519; TOPMed 0.00553; ESP Exome Variant Server 0.00715; ExAC 0.00818.
gnomAD v4.1: 11,200 of 1,614,094 alleles (0.69%); highest among the groups gnomAD compares: Middle Eastern, 5.7%; 80 homozygotes.

Submissions (5):

Labcorp Genetics (formerly Invitae), Labcorp
Classification: Benign. Last evaluated: 2026-01-26. Review status: criteria provided, single submitter. Criteria: Invitae Variant Classification Sherloc (09022015). Collection method: clinical testing. Allele origin: germline.

Mayo Clinic Laboratories, Mayo Clinic
Classification: Benign. Last evaluated: 2023-12-13. Review status: criteria provided, single submitter. Criteria: ACMG Guidelines, 2015. Collection method: clinical testing. Allele origin: germline. Observed: 5 variant alleles.
Comment: BA1, BP4, BP7

GeneDx
Classification: Likely benign. Last evaluated: 2020-12-03. Review status: criteria provided, single submitter. Criteria: GeneDx Variant Classification Process June 2021. Collection method: clinical testing. Allele origin: germline. Affected: yes.

Illumina Laboratory Services, Illumina
Classification: Benign for Leukodystrophy, hypomyelinating, 8, with or without oligodontia and/or hypogonadotropic hypogonadism. Last evaluated: 2018-01-13. Review status: criteria provided, single submitter. Criteria: ICSL Variant Classification Criteria 13 December 2019. Collection method: clinical testing. Allele origin: germline.
Comment: This variant was observed in the ICSL laboratory as part of a predisposition screen in an ostensibly healthy population. It had not been previously curated by ICSL or reported in the Human Gene Mutation Database (HGMD: prior to June 1st, 2018), and was therefore a candidate for classification through an automated scoring system. Utilizing variant allele frequency, disease prevalence and penetrance estimates, and inheritance mode, an automated score was calculated to assess if this variant is too frequent to cause the disease. Based on the score and internal cut-off values, a variant classified as benign is not then subjected to further curation. The score for this variant resulted in a classification of benign for this disease.

Breakthrough Genomics
Classification: Likely benign. Review status: criteria provided, single submitter. Criteria: ACMG Guidelines, 2015. Collection method: not provided. Allele origin: germline. Inheritance: Autosomal recessive inheritance. Affected: yes.

NM_018082.6(POLR3B):c.2877C>T (p.His959=)

Genes: POLR3B (RNA polymerase III subunit B; plus strand), RFX4-AS1 (RFX4 antisense RNA 1; minus strand). Cytogenetic location: 12q23.3.
Variant type: single nucleotide variant.
Coding change: c.2877C>T on transcript NM_018082.6 (MANE Select); coding-DNA position 2877, C replaced by T.
Protein change: p.His959=; no amino-acid change (histidine 959 retained).
Molecular consequence: synonymous variant.
Genome position (GRCh38, 1-based): chr12:106,496,811, C>T. VCF-style: chr12-106496811-C-T. GRCh37 (hg19) VCF-style: chr12-106890589-C-T.
Other names: p.His959=; c.2703C>T, p.His901= (NM_001160708.2).
Identifiers: ClinVar variation 306947 (VCV000306947.19), dbSNP rs148708579, ClinGen allele CA6762330.
Genomic context (GRCh38, chr12:106,496,811, plus strand): 5'-GGTGGGGAAGCTCATTGAGCTGCTGGCTGGCAAGGCCGGTGTGCTGGACGGCAGATTCCA[C>T]TACGGCACTGCGTTTGGAGGCAGTAAAGTGAAGGATGTGTGTGAGGACCTCGTTCGCCAT-3'
Protein context (NP_060552.4, residues 949-969): GKAGVLDGRF[His959=]YGTAFGGSKV